The following is an entry in ClinVar:

ClinVar aggregate classification (germline): Uncertain significance (1 of 4 stars; one submission).

Conditions:
Neuronopathy, distal hereditary motor, type 7A. Also called: SPINAL MUSCULAR ATROPHY, DISTAL, WITH VOCAL CORD PARALYSIS; HARPER-YOUNG MYOPATHY; HMN VIIA; Neuronopathy, distal hereditary motor, type viia; NEURONOPATHY, DISTAL HEREDITARY MOTOR, HARDING TYPE VIIA; NEUROPATHY, DISTAL HEREDITARY MOTOR, HARDING TYPE VIIA. Identifiers: Orphanet 139589, MedGen C1834703, MONDO:0008024, OMIM 158580.
Congenital myasthenic syndrome 20. Also called: Myasthenic syndrome, congenital, 20, presynaptic. Identifiers: MedGen C4310694, MONDO:0014939, OMIM 617143.

Submission:

Labcorp Genetics (formerly Invitae), Labcorp
Classification: Uncertain significance for Neuronopathy, distal hereditary motor, type 7A; Congenital myasthenic syndrome 20. Last evaluated: 2022-11-01. Review status: criteria provided, single submitter. Criteria: Invitae Variant Classification Sherloc (09022015). Collection method: clinical testing. Allele origin: germline.
Comment: In summary, the available evidence is currently insufficient to determine the role of this variant in disease. Therefore, it has been classified as a Variant of Uncertain Significance. Algorithms developed to predict the effect of missense changes on protein structure and function output the following: SIFT: "Deleterious"; PolyPhen-2: "Benign"; Align-GVGD: "Class C55". The threonine amino acid residue is found in multiple mammalian species, which suggests that this missense change does not adversely affect protein function. ClinVar contains an entry for this variant (Variation ID: 1007028). This variant has not been reported in the literature in individuals affected with SLC5A7-related conditions. This variant is not present in population databases (gnomAD no frequency). This sequence change replaces alanine, which is neutral and non-polar, with threonine, which is neutral and polar, at codon 151 of the SLC5A7 protein (p.Ala151Thr).

NM_021815.5(SLC5A7):c.451G>A (p.Ala151Thr)

Gene: SLC5A7 (solute carrier family 5 member 7; plus strand). Cytogenetic location: 2q12.3.
Variant type: single nucleotide variant.
Coding change: c.451G>A on transcript NM_021815.5 (MANE Select); coding-DNA position 451, G replaced by A.
Protein change: p.Ala151Thr; replaces alanine 151 with threonine.
Molecular consequence: missense variant. On other transcripts: 5 prime UTR variant (1).
Genome position (GRCh38, 1-based): chr2:107,997,840, G>A. VCF-style: chr2-107997840-G-A. GRCh37 (hg19) VCF-style: chr2-108614296-G-A.
Other names: c.451G>A, p.Ala151Thr (NM_001305005.3); c.136G>A, p.Ala46Thr (NM_001305006.3); c.-254G>A (NM_001305007.3); short protein forms A151T, A46T.
Identifiers: ClinVar variation 1007028 (VCV001007028.5), dbSNP rs1677727536, ClinGen allele CA348112383.